The following is an entry in ClinVar:

ClinVar aggregate classification (germline): Pathogenic (1 of 4 stars; one submission).

Conditions:
Joubert syndrome 3 (JBTS3). Also called: AHI1-related Ciliopathy. Identifiers: Orphanet 220493, MedGen C1837713, MONDO:0012078, OMIM 608629.

Submission:

Myriad Genetics, Inc.
Classification: Pathogenic for Joubert syndrome 3. Last evaluated: 2026-04-16. Review status: criteria provided, single submitter. Criteria: Myriad Autosomal Dominant, Autosomal Recessive and X-Linked Classification Criteria (2023). Collection method: clinical testing. Allele origin: unknown.
Comment: NM_001134831.1(AHI1):c.2339T>A(L780*) is expected to be pathogenic in the context of Joubert syndrome, AHI1-related. This variant is predicted to lead to an abnormal or absent protein product due to the creation of a premature termination codon in AHI1, a gene where loss-of-function variants are known to be pathogenic. Please note: this variant was assessed in the context of healthy population screening.

NM_001134831.2(AHI1):c.2339T>A (p.Leu780Ter)

Gene: AHI1 (Abelson helper integration site 1; minus strand). Cytogenetic location: 6q23.3.
Variant type: single nucleotide variant.
Coding change: c.2339T>A on transcript NM_001134831.2 (MANE Select); coding-DNA position 2339, T replaced by A.
Protein change: p.Leu780Ter; replaces leucine 780 with a stop codon.
Molecular consequence: nonsense.
Genome position (GRCh38, 1-based): chr6:135,431,242, A>T on the plus strand (T>A on the coding strand, the complement: AHI1 is on the minus strand). VCF-style: chr6-135431242-A-T. GRCh37 (hg19) VCF-style: chr6-135752380-A-T.
Other names: c.2339T>A, p.Leu780Ter (NM_001134830.2, NM_001134832.2, NM_001350503.2 and 2 more transcripts); short protein forms L780*.
Identifiers: ClinVar variation 5015806 (VCV005015806.1).
Genomic context (GRCh38, chr6:135,431,242, plus strand): 5'-CCAAAATATAAAATATGATTTTATACCTTATTTATAGTCCAGTGGTGCACTGAATGTTCC[A>T]AATCATTAATCTTGACATAGGTATTCCAAACAACAATCACCCCTGTACAATCTCCTGAAT-3'